The following is an entry in ClinVar:

NM_052947.4(ALPK2):c.1736A>T (p.Asp579Val)

Gene: ALPK2 (alpha kinase 2; minus strand). Cytogenetic location: 18q21.31.
Variant type: single nucleotide variant.
Coding change: c.1736A>T on transcript NM_052947.4 (MANE Select); coding-DNA position 1736, A replaced by T.
Protein change: p.Asp579Val; replaces aspartic acid 579 with valine.
Molecular consequence: missense variant.
Genome position (GRCh38, 1-based): chr18:58,579,040, T>A on the plus strand (A>T on the coding strand, the complement: ALPK2 is on the minus strand). VCF-style: chr18-58579040-T-A. GRCh37 (hg19) VCF-style: chr18-56246272-T-A.
Other names: short protein forms D579V.
Identifiers: ClinVar variation 1779075 (VCV001779075.2), dbSNP rs1181242858, ClinGen allele CA402560530.

ClinVar aggregate classification (germline): Uncertain significance (1 of 4 stars; one submission).

Allele frequency attached by ClinVar (database versions not stated): TOPMed below 0.00001; gnomAD 0.00001.
gnomAD v4.1: 1 of 1,614,100 alleles (0.000062%); highest among the groups gnomAD compares: Non-Finnish European, 0.000085%; no homozygotes.

Submission:

Ambry Genetics
Classification: Uncertain significance. Last evaluated: 2021-07-15. Review status: criteria provided, single submitter. Criteria: Ambry Variant Classification Scheme 2023. Collection method: clinical testing. Allele origin: germline.
Comment: The p.D579V variant (also known as c.1736A>T), located in coding exon 3 of the ALPK2 gene, results from an A to T substitution at nucleotide position 1736. The aspartic acid at codon 579 is replaced by valine, an amino acid with highly dissimilar properties. This amino acid position is conserved. In addition, this alteration is predicted to be tolerated by in silico analysis. Since supporting evidence is limited at this time, the clinical significance of this alteration remains unclear.